The following is an entry in ClinVar:

ClinVar aggregate classification (germline): Uncertain significance (1 of 4 stars; one submission).

Conditions:
Juvenile polyposis syndrome (JPS). Identifiers: Orphanet 2929, MedGen C0345893, MONDO:0017380, OMIM 174900.

Allele frequency attached by ClinVar (database versions not stated): gnomAD exomes below 0.00001.
gnomAD v4.1: 1 of 1,613,952 alleles (0.000062%); highest among the groups gnomAD compares: Non-Finnish European, 0.000085%; no homozygotes.

Submission:

Labcorp Genetics (formerly Invitae), Labcorp
Classification: Uncertain significance for Juvenile polyposis syndrome. Last evaluated: 2021-03-22. Review status: criteria provided, single submitter. Criteria: Invitae Variant Classification Sherloc (09022015). Collection method: clinical testing. Allele origin: germline.
Comment: This variant is not present in population databases (ExAC no frequency). This sequence change replaces alanine with valine at codon 96 of the SMAD4 protein (p.Ala96Val). The alanine residue is highly conserved and there is a small physicochemical difference between alanine and valine. In summary, the available evidence is currently insufficient to determine the role of this variant in disease. Therefore, it has been classified as a Variant of Uncertain Significance. Algorithms developed to predict the effect of missense changes on protein structure and function are either unavailable or do not agree on the potential impact of this missense change (SIFT: "Deleterious"; PolyPhen-2: "Possibly Damaging"; Align-GVGD: "Class C15"). This variant has not been reported in the literature in individuals with SMAD4-related conditions.

NM_005359.6(SMAD4):c.287C>T (p.Ala96Val)

Gene: SMAD4 (SMAD family member 4; plus strand). Cytogenetic location: 18q21.2.
Variant type: single nucleotide variant.
Coding change: c.287C>T on transcript NM_005359.6 (MANE Select); coding-DNA position 287, C replaced by T.
Protein change: p.Ala96Val; replaces alanine 96 with valine.
Molecular consequence: missense variant.
Genome position (GRCh38, 1-based): chr18:51,048,723, C>T. VCF-style: chr18-51048723-C-T. GRCh37 (hg19) VCF-style: chr18-48575093-C-T.
Other names: short protein forms A96V.
Identifiers: ClinVar variation 1489130 (VCV001489130.8), dbSNP rs2144405304, ClinGen allele CA402458248.
Genomic context (GRCh38, chr18:51,048,723, plus strand): 5'-TAAATGGTCGTTTATTTTTCTAGGTGGCTGGTCGGAAAGGATTTCCTCATGTGATCTATG[C>T]CCGTCTCTGGAGGTGGCCTGATCTTCACAAAAATGAACTAAAACATGTTAAATATTGTCA-3'
Protein context (NP_005350.1, residues 86-106): GRKGFPHVIY[Ala96Val]RLWRWPDLHK